The following is an entry in ClinVar:

ClinVar aggregate classification (germline): Likely benign. Review status: criteria provided, multiple submitters, no conflicts (2 of 4 stars). 2 submissions from 2 submitters: Likely benign (2). Last evaluated 2026-04-13.

Conditions:
IMPDH1-related disorder. Also called: IMPDH1-related disorders; IMPDH1-related condition.

Allele frequency attached by ClinVar (database versions not stated): gnomAD 0.00001; gnomAD exomes 0.00001 and 0.00002; ExAC 0.00002; 1000 Genomes Project 30x 0.00016; 1000 Genomes Project 0.00020.
gnomAD v4.1: 28 of 1,614,004 alleles (0.0017%); highest among the groups gnomAD compares: South Asian, 0.0022%; no homozygotes.

Submissions (2):

PreventionGenetics, part of Exact Sciences
Classification: Likely benign for IMPDH1-related condition. Last evaluated: 2026-04-13. Review status: criteria provided, single submitter. Criteria: ACMG Guidelines, 2015. Collection method: clinical testing. Allele origin: germline.
Comment: This variant is classified as likely benign based on ACMG/AMP sequence variant interpretation guidelines (Richards et al. 2015 PMID: 25741868, with internal and published modifications).

Labcorp Genetics (formerly Invitae), Labcorp
Classification: Likely benign. Last evaluated: 2022-04-23. Review status: criteria provided, single submitter. Criteria: Invitae Variant Classification Sherloc (09022015). Collection method: clinical testing. Allele origin: germline.

NM_000883.4(IMPDH1):c.1428C>T (p.Ala476=)

Gene: IMPDH1 (inosine monophosphate dehydrogenase 1; minus strand). Cytogenetic location: 7q32.1.
Variant type: single nucleotide variant.
Coding change: c.1428C>T on transcript NM_000883.4 (MANE Select); coding-DNA position 1428, C replaced by T.
Protein change: p.Ala476=; no amino-acid change (alanine 476 retained).
Molecular consequence: synonymous variant.
Genome position (GRCh38, 1-based): chr7:128,395,011, G>A on the plus strand (C>T on the coding strand, the complement: IMPDH1 is on the minus strand). VCF-style: chr7-128395011-G-A. GRCh37 (hg19) VCF-style: chr7-128035065-G-A.
Other names: c.1428C>T (NM_000883.3); c.1398C>T, p.Ala466= (NM_001102605.2); c.1173C>T, p.Ala391= (NM_001142573.2); c.1158C>T, p.Ala386= (NM_001142574.2); c.1098C>T, p.Ala366= (NM_001142575.2); c.1329C>T, p.Ala443= (NM_001142576.2); c.1221C>T, p.Ala407= (NM_001304521.2); c.1320C>T, p.Ala440= (NM_183243.3).
Identifiers: ClinVar variation 1615595 (VCV001615595.9), dbSNP rs199527034, ClinGen allele CA4470831.